The following is an entry in ClinVar:

NM_001953.5(TYMP):c.1255dup (p.Val419fs)

Genes: SCO2 (synthesis of cytochrome C oxidase 2; minus strand), TYMP (thymidine phosphorylase; minus strand), LOC130067862 (ATAC-STARR-seq lymphoblastoid silent region 13986; plus strand). Cytogenetic location: 22q13.33.
Variant type: Duplication.
Coding change: c.1255dup on transcript NM_001953.5 (MANE Select); coding-DNA position 1255, one base duplicated (G; older notation c.1255dupG).
Protein change: p.Val419fs; shifts the reading frame from valine 419.
Molecular consequence: frameshift variant. On other transcripts: 5 prime UTR variant (1), intron variant (1).
Genome position (GRCh38, 1-based): chr22:50,526,046, C duplicated on the plus strand (G on the coding strand, the reverse complement: TYMP is on the minus strand); the first of 5 consecutive C bases (chr22:50,526,046-50,526,050); duplicating any one gives the same sequence. VCF-style (leftmost placement, unchanged base first): chr22-50526045-A-AC. GRCh37 (hg19) VCF-style: chr22-50964474-A-AC.
Other names: c.1255dup, p.Val419fs (NM_001113755.3, NM_001113756.3, NM_001257988.1); c.1270dup, p.Val424fs (NM_001257989.1); c.-59dup (NM_001169110.1); c.-14+200dup (NM_001169109.2); short protein forms V419fs, V424fs.
Identifiers: ClinVar variation 3012048 (VCV003012048.3), dbSNP rs1214978129, ClinGen allele CA754072404.

ClinVar aggregate classification (germline): Pathogenic (1 of 4 stars; one submission).

Submission:

Labcorp Genetics (formerly Invitae), Labcorp
Classification: Pathogenic. Last evaluated: 2025-06-12. Review status: criteria provided, single submitter. Criteria: Invitae Variant Classification Sherloc (09022015). Collection method: clinical testing. Allele origin: germline.
Comment: This sequence change is expected to alter the c-terminus of the TYMP protein (p.Val419Glyfs*). While this is not anticipated to result in nonsense mediated decay, it is expected to disrupt the last 64 amino acid(s) of the TYMP protein and extend the protein by an uncertain number of additional amino acid residues. This variant is not present in population databases (gnomAD no frequency). This variant has not been reported in the literature in individuals affected with TYMP-related conditions. ClinVar contains an entry for this variant (Variation ID: 3012048). Algorithms developed to predict the effect of sequence changes on RNA splicing suggest that this variant may disrupt the consensus splice site. This variant disrupts a region of the TYMP protein in which other variant(s) (p.Ser471*) have been determined to be pathogenic (PMID: 17437622). This suggests that this is a clinically significant region of the protein, and that variants that disrupt it are likely to be disease-causing. For these reasons, this variant has been classified as Pathogenic.

Literature cited by the submitters: PubMed 17437622.